The following is an entry in ClinVar:

ClinVar aggregate classification (germline): Uncertain significance (1 of 4 stars; one submission).

Conditions:
Epileptic encephalopathy. Identifiers: MedGen C0543888, HP:0200134.

Submission:

Labcorp Genetics (formerly Invitae), Labcorp
Classification: Uncertain significance for Epileptic encephalopathy. Last evaluated: 2022-07-13. Review status: criteria provided, single submitter. Criteria: Invitae Variant Classification Sherloc (09022015). Collection method: clinical testing. Allele origin: germline.
Comment: In summary, the available evidence is currently insufficient to determine the role of this variant in disease. Therefore, it has been classified as a Variant of Uncertain Significance. This variant has not been reported in the literature in individuals affected with GABBR2-related conditions. This variant is not present in population databases (gnomAD no frequency). This sequence change creates a premature translational stop signal (p.Cys553Hisfs*96) in the GABBR2 gene. It is expected to result in an absent or disrupted protein product. However, the current clinical and genetic evidence is not sufficient to establish whether loss-of-function variants in GABBR2 cause disease.

NM_005458.8(GABBR2):c.1656_1657del (p.Cys553fs)

Gene: GABBR2 (gamma-aminobutyric acid type B receptor subunit 2; minus strand). Cytogenetic location: 9q22.33.
Variant type: Deletion.
Coding change: c.1656_1657del on transcript NM_005458.8 (MANE Select); coding-DNA positions 1656 to 1657, 2 bases deleted (TT; older notation c.1656_1657delTT).
Protein change: p.Cys553fs; shifts the reading frame from cysteine 553.
Molecular consequence: frameshift variant.
Genome position (GRCh38, 1-based): chr9:98,385,645-98,385,646, AA deleted on the plus strand (TT on the coding strand, the reverse complement: GABBR2 is on the minus strand); deleting any 2 consecutive bases within chr9:98,385,645-98,385,647 gives the same sequence; the c. name uses the placement nearest the transcript's 3' end. VCF-style (leftmost placement, unchanged base first): chr9-98385644-CAA-C. GRCh37 (hg19) VCF-style: chr9-101147926-CAA-C.
Other names: short protein forms C553fs.
Identifiers: ClinVar variation 2000265 (VCV002000265.4), dbSNP rs2491426404, ClinGen allele CA2580080793.